The following is an entry in ClinVar:

NM_000138.5(FBN1):c.7820-3C>A

Gene: FBN1 (fibrillin 1; minus strand). Cytogenetic location: 15q21.1.
Variant type: single nucleotide variant.
Coding change: c.7820-3C>A on transcript NM_000138.5 (MANE Select); 3 bases into the intron before coding-DNA position 7820, C replaced by A.
Molecular consequence: intron variant.
Genome position (GRCh38, 1-based): chr15:48,415,770, G>T on the plus strand (C>A on the coding strand, the complement: FBN1 is on the minus strand). VCF-style: chr15-48415770-G-T. GRCh37 (hg19) VCF-style: chr15-48707967-G-T.
Identifiers: ClinVar variation 263432 (VCV000263432.10), dbSNP rs193922237, ClinGen allele CA10587790.

ClinVar aggregate classification (germline): Uncertain significance. Review status: criteria provided, multiple submitters, no conflicts (2 of 4 stars). 2 submissions from 2 submitters: Uncertain significance (2). Last evaluated 2026-08-18.

Conditions:
Familial thoracic aortic aneurysm and aortic dissection (TAAD). Also called: Thoracic aortic aneurysms and dissections. Identifiers: Orphanet 91387, MedGen C4707243, MONDO:0019625.

Submissions (2):

Ambry Genetics
Classification: Uncertain significance for Familial thoracic aortic aneurysm and aortic dissection. Last evaluated: 2026-08-18. Review status: criteria provided, single submitter. Criteria: Ambry Variant Classification Scheme 2023. Collection method: clinical testing. Allele origin: germline.
Comment: The c.7820-3C>A intronic variant results from a C to A substitution 3 nucleotides upstream from coding exon 63 in the FBN1 gene. This variant was reported in individual(s) with features consistent with Marfan syndrome; in at least one individual, it was determined to be de novo (Stheneur C et al. Eur J Hum Genet, 2009 Sep;17:1121-8; Yoo EH et al. Clin Genet, 2010 Feb;77:177-82; Murdock DR et al. NPJ Genom Med, 2025 Mar;10:25; Ambry internal data). This nucleotide position is highly conserved in available vertebrate species. In silico splice site analysis predicts that this alteration will weaken the native splice acceptor site. Based on the available evidence, the clinical significance of this variant remains unclear.

Eurofins Ntd Llc (ga)
Classification: Uncertain significance. Last evaluated: 2017-09-18. Review status: criteria provided, single submitter. Criteria: EGL Classification Definitions 2015. Collection method: clinical testing. Allele origin: germline. Observed: 1 variant allele, 1 heterozygote.

Literature cited by the submitters: PubMed 19293843 (cited by Ambry Genetics); PubMed 19863550 (cited by Ambry Genetics); PubMed 40118890 (cited by Ambry Genetics).